The following is an entry in ClinVar:

NM_016417.3(GLRX5):c.16_17delinsCT (p.Gly6Leu)

Gene: GLRX5 (glutaredoxin 5; plus strand). Cytogenetic location: 14q32.13.
Variant type: Indel.
Coding change: c.16_17delinsCT on transcript NM_016417.3 (MANE Select); coding-DNA positions 16 to 17, GG replaced by CT.
Protein change: p.Gly6Leu; replaces glycine 6 with leucine.
Molecular consequence: missense variant.
Genome position (GRCh38, 1-based): chr14:95,535,105-95,535,106, GG replaced by CT. VCF-style: chr14-95535105-GG-CT. GRCh37 (hg19) VCF-style: chr14-96001442-GG-CT.
Other names: short protein forms G6L.
Identifiers: ClinVar variation 2015086 (VCV002015086.4), dbSNP rs2504103315, ClinGen allele CA2580088995.

ClinVar aggregate classification (germline): Uncertain significance (1 of 4 stars; one submission).

Submission:

Labcorp Genetics (formerly Invitae), Labcorp
Classification: Uncertain significance. Last evaluated: 2022-07-11. Review status: criteria provided, single submitter. Criteria: Invitae Variant Classification Sherloc (09022015). Collection method: clinical testing. Allele origin: germline.
Comment: This sequence change replaces glycine, which is neutral and non-polar, with leucine, which is neutral and non-polar, at codon 6 of the GLRX5 protein (p.Gly6Leu). Information on the frequency of this variant in the gnomAD database is not available, as this variant may be reported differently in the database. This variant has not been reported in the literature in individuals affected with GLRX5-related conditions. Experimental studies and prediction algorithms are not available or were not evaluated, and the functional significance of this variant is currently unknown. In summary, the available evidence is currently insufficient to determine the role of this variant in disease. Therefore, it has been classified as a Variant of Uncertain Significance.